The following is an entry in ClinVar:

NM_000053.4(ATP7B):c.106A>T (p.Ser36Cys)

Gene: ATP7B (ATPase copper transporting beta; minus strand). Cytogenetic location: 13q14.3.
Variant type: single nucleotide variant.
Coding change: c.106A>T on transcript NM_000053.4 (MANE Select); coding-DNA position 106, A replaced by T.
Protein change: p.Ser36Cys; replaces serine 36 with cysteine.
Molecular consequence: missense variant.
Genome position (GRCh38, 1-based): chr13:51,975,114, T>A on the plus strand (A>T on the coding strand, the complement: ATP7B is on the minus strand). VCF-style: chr13-51975114-T-A. GRCh37 (hg19) VCF-style: chr13-52549250-T-A.
Other names: c.106A>T, p.Ser36Cys (NM_001005918.3, NM_001243182.2, NM_001330578.2 and 30 more transcripts); c.10A>T, p.Ser4Cys (NM_001406517.1, NM_001406518.1, NM_001406530.1 and 4 more transcripts); c.106A>T (NM_000053.3); short protein forms S36C, S4C.
Identifiers: ClinVar variation 2193528 (VCV002193528.3), dbSNP rs754996019, ClinGen allele CA6989615.
Genomic context (GRCh38, chr13:51,975,114, plus strand): 5'-GAGAAGAAGGGCCCAGGCCATCCAGACCACCTTCATAGCCAACATTGTCAAAAGCAAAAC[T>A]CTTCTTCATTGCTGGTTCCCAGGCACGGGTAGGCAAAGAAAGCTTAGATAAGATCTAAAA-3'
Protein context (NP_000044.2, residues 26-46): TRAWEPAMKK[Ser36Cys]FAFDNVGYEG

ClinVar aggregate classification (germline): Uncertain significance. Review status: criteria provided, multiple submitters, no conflicts (2 of 4 stars). 3 submissions from 3 submitters: Uncertain significance (3). Last evaluated 2025-10-15.

Conditions:
ATP7B-related disorder. Also called: ATP7B-related condition.
Wilson disease (WND). Also called: Wilson's disease. Identifiers: Orphanet 905, MedGen C0019202, MONDO:0010200, OMIM 277900. Disease mechanism: loss of function.

Allele frequency attached by ClinVar (database versions not stated): gnomAD exomes below 0.00001; ExAC 0.00002.
gnomAD v4.1: 8 of 1,614,198 alleles (0.0005%); highest among the groups gnomAD compares: Non-Finnish European, 0.00059%; no homozygotes.

Submissions (3):

Color Diagnostics, LLC DBA Color Health
Classification: Uncertain significance for Wilson disease. Last evaluated: 2025-10-15. Review status: criteria provided, single submitter. Criteria: ACMG Guidelines, 2015. Collection method: clinical testing. Allele origin: germline.
Comment: This missense variant replaces serine with cysteine at codon 36 of the ATP7B protein. Computational prediction suggests that this variant may not impact protein structure and function. To our knowledge, functional studies have not been reported for this variant. This variant has not been reported in individuals affected with ATP7B-related disorders in the literature. This variant has been identified in 8/1461888 chromosomes in the general population by the Genome Aggregation Database (gnomAD). The available evidence is insufficient to determine the role of this variant in disease conclusively. Therefore, this variant is classified as a Variant of Uncertain Significance.

PreventionGenetics, part of Exact Sciences
Classification: Uncertain significance for ATP7B-related condition. Last evaluated: 2022-08-30. Review status: criteria provided, single submitter. Criteria: ACMG Guidelines, 2015. Collection method: clinical testing. Allele origin: germline.
Comment: The ATP7B c.106A>T variant is predicted to result in the amino acid substitution p.Ser36Cys. To our knowledge, this variant has not been reported in the literature. This variant is reported in 0.0018% of alleles in individuals of European (Non-Finnish) descent in gnomAD. At this time, the clinical significance of this variant is uncertain due to the absence of conclusive functional and genetic evidence.

Labcorp Genetics (formerly Invitae), Labcorp
Classification: Uncertain significance for Wilson disease. Last evaluated: 2022-05-11. Review status: criteria provided, single submitter. Criteria: Invitae Variant Classification Sherloc (09022015). Collection method: clinical testing. Allele origin: germline.
Comment: This sequence change replaces serine, which is neutral and polar, with cysteine, which is neutral and slightly polar, at codon 36 of the ATP7B protein (p.Ser36Cys). This variant is present in population databases (rs754996019, gnomAD 0.002%). This variant has not been reported in the literature in individuals affected with ATP7B-related conditions. Advanced modeling of protein sequence and biophysical properties (such as structural, functional, and spatial information, amino acid conservation, physicochemical variation, residue mobility, and thermodynamic stability) performed at Invitae indicates that this missense variant is not expected to disrupt ATP7B protein function. In summary, the available evidence is currently insufficient to determine the role of this variant in disease. Therefore, it has been classified as a Variant of Uncertain Significance.